The following is an entry in ClinVar:

ClinVar aggregate classification (germline): Uncertain significance (1 of 4 stars; one submission).

Submission:

Labcorp Genetics (formerly Invitae), Labcorp
Classification: Uncertain significance. Last evaluated: 2023-04-06. Review status: criteria provided, single submitter. Criteria: Invitae Variant Classification Sherloc (09022015). Collection method: clinical testing. Allele origin: unknown.
Comment: In summary, the available evidence is currently insufficient to determine the role of this variant in disease. Therefore, it has been classified as a Variant of Uncertain Significance. This variant has not been reported in the literature in individuals affected with ADIPOR1-related conditions. A gross deletion of the genomic region encompassing the full coding sequence of the ADIPOR1 gene has been identified. The current clinical and genetic evidence is not sufficient to establish whether loss-of-function variants in ADIPOR1 cause disease. The boundaries of this event are unknown as they extend beyond the assayed region for this gene and therefore may encompass additional genes.

NC_000001.10:g.(?_202910701)_(202927507_?)del

Gene: ADIPOR1 (adiponectin receptor 1; minus strand). Cytogenetic location: 1q32.1.
Variant type: Deletion.
Identifiers: ClinVar variation 3248001 (VCV003248001.1).